The following is an entry in ClinVar:

NM_000350.3(ABCA4):c.3862+3A>G

Genes: ABCA4 (ATP binding cassette subfamily A member 4; minus strand), LOC126805794 (BRD4-independent group 4 enhancer GRCh37_chr1:94502188-94503387; plus strand). Cytogenetic location: 1p22.1.
Variant type: single nucleotide variant.
Coding change: c.3862+3A>G on transcript NM_000350.3 (MANE Select); 3 bases into the intron after coding-DNA position 3862, A replaced by G.
Molecular consequence: intron variant.
Genome position (GRCh38, 1-based): chr1:94,036,737, T>C on the plus strand (A>G on the coding strand, the complement: ABCA4 is on the minus strand). VCF-style: chr1-94036737-T-C. GRCh37 (hg19) VCF-style: chr1-94502293-T-C.
Identifiers: ClinVar variation 1363980 (VCV001363980.9), dbSNP rs1660347378, ClinGen allele CA645372241.

ClinVar aggregate classification (germline): Conflicting classifications of pathogenicity. Review status: criteria provided, conflicting classifications (1 of 4 stars). 2 submissions from 2 submitters: Likely pathogenic (1); Uncertain significance (1). Last evaluated 2022-11-08.

Conditions:
ABCA4-related disorder. Also called: ABCA4-related disorders; ABCA4-related condition. Identifiers: MedGen CN239167.

Submissions (2):

Labcorp Genetics (formerly Invitae), Labcorp
Classification: Uncertain significance. Last evaluated: 2022-11-08. Review status: criteria provided, single submitter. Criteria: Invitae Variant Classification Sherloc (09022015). Collection method: clinical testing. Allele origin: germline.
Comment: This sequence change falls in intron 26 of the ABCA4 gene. It does not directly change the encoded amino acid sequence of the ABCA4 protein. It affects a nucleotide within the consensus splice site. In summary, the available evidence is currently insufficient to determine the role of this variant in disease. Therefore, it has been classified as a Variant of Uncertain Significance. Variants that disrupt the consensus splice site are a relatively common cause of aberrant splicing (PMID: 17576681, 9536098). Studies have shown that this variant is associated with altered splicing resulting in an unknown protein product impact (PMID: 29162642). ClinVar contains an entry for this variant (Variation ID: 1363980). This variant has been observed in individual(s) with clinical features of pattern dystrophy (PMID: 25082885). This variant is not present in population databases (gnomAD no frequency).

Blueprint Genetics
Classification: Likely pathogenic for ABCA4-related disorders. Last evaluated: 2020-09-16. Review status: criteria provided, single submitter. Criteria: ACMG Guidelines, 2015. Collection method: clinical testing. Allele origin: germline. Affected: yes. Observed: 2 variant alleles.

Literature cited by the submitters: PubMed 17576681 (cited by Labcorp Genetics (formerly Invitae), Labcorp); PubMed 9536098 (cited by Labcorp Genetics (formerly Invitae), Labcorp); PubMed 29162642 (cited by Labcorp Genetics (formerly Invitae), Labcorp); PubMed 25082885 (cited by Labcorp Genetics (formerly Invitae), Labcorp).